The following is an entry in ClinVar:

NM_000161.3(GCH1):c.641T>C (p.Val214Ala)

Gene: GCH1 (GTP cyclohydrolase 1; minus strand). Cytogenetic location: 14q22.2.
Variant type: single nucleotide variant.
Coding change: c.641T>C on transcript NM_000161.3 (MANE Select); coding-DNA position 641, T replaced by C.
Protein change: p.Val214Ala; replaces valine 214 with alanine.
Molecular consequence: missense variant. On other transcripts: intron variant (2).
Genome position (GRCh38, 1-based): chr14:54,844,129, A>G on the plus strand (T>C on the coding strand, the complement: GCH1 is on the minus strand). VCF-style: chr14-54844129-A-G. GRCh37 (hg19) VCF-style: chr14-55310847-A-G.
Other names: c.641T>C, p.Val214Ala (NM_001024024.2); c.627-1075T>C (NM_001024071.2); c.627-260T>C (NM_001024070.2); short protein forms V214A.
Identifiers: ClinVar variation 1382601 (VCV001382601.8), dbSNP rs2140038925, ClinGen allele CA389787210.

ClinVar aggregate classification (germline): Uncertain significance (1 of 4 stars; one submission).

Conditions:
GTP cyclohydrolase I deficiency. Identifiers: MedGen C0268467, MONDO:0100184.
Dystonia 5 (DRD). Also called: Dystonia, DOPA-responsive, with or without hyperphenylalaninemia; GTP Cyclohydrolase 1-Deficient Dopa-Responsive Dystonia; DYSTONIA, PROGRESSIVE, WITH DIURNAL VARIATION; DYSTONIA-PARKINSONISM WITH DIURNAL FLUCTUATION; DYT-GCH1. Identifiers: Orphanet 98808, MedGen C1851920, MONDO:0007495, OMIM 128230.

Allele frequency attached by ClinVar (database versions not stated): gnomAD exomes below 0.00001.

Submission:

Labcorp Genetics (formerly Invitae), Labcorp
Classification: Uncertain significance for GTP cyclohydrolase I deficiency; Dystonia 5. Last evaluated: 2021-03-27. Review status: criteria provided, single submitter. Criteria: Invitae Variant Classification Sherloc (09022015). Collection method: clinical testing. Allele origin: germline.
Comment: This variant is not present in population databases (ExAC no frequency). This sequence change replaces valine with alanine at codon 214 of the GCH1 protein (p.Val214Ala). The valine residue is highly conserved and there is a small physicochemical difference between valine and alanine. This variant has not been reported in the literature in individuals with GCH1-related conditions. Algorithms developed to predict the effect of missense changes on protein structure and function (SIFT, PolyPhen-2, Align-GVGD) all suggest that this variant is likely to be disruptive, but these predictions have not been confirmed by published functional studies and their clinical significance is uncertain. In summary, the available evidence is currently insufficient to determine the role of this variant in disease. Therefore, it has been classified as a Variant of Uncertain Significance.